The following is an entry in ClinVar:

ClinVar aggregate classification (germline): Uncertain significance. Review status: criteria provided, multiple submitters, no conflicts (2 of 4 stars). 2 submissions from 2 submitters: Uncertain significance (2). Last evaluated 2023-12-15.

Conditions:
Inborn genetic diseases. Identifiers: MedGen C0950123, MeSH D030342.
Muscular dystrophy-dystroglycanopathy (congenital with impaired intellectual development), type B, 2. Also called: Muscular dystrophy-dystroglycanopathy (congenital with intellectual disability), type B2; MUSCULAR DYSTROPHY, CONGENITAL, POMT2-RELATED. Identifiers: MedGen C3150416, MONDO:0013160, OMIM 613156.
Autosomal recessive limb-girdle muscular dystrophy type 2N. Also called: MUSCULAR DYSTROPHY-DYSTROGLYCANOPATHY, LIMB-GIRDLE, POMT2-RELATED; Muscular dystrophy-dystroglycanopathy (limb-girdle), type C, 2. Identifiers: Orphanet 206559, MedGen C3150418, MONDO:0013162, OMIM 613158.
Muscular dystrophy-dystroglycanopathy (congenital with brain and eye anomalies), type A2. Also called: MUSCULAR DYSTROPHY-DYSTROGLYCANOPATHY (CONGENITAL WITH BRAIN AND EYE ANOMALIES), TYPE A, 2; WALKER-WARBURG SYNDROME OR MUSCLE-EYE-BRAIN DISEASE, POMT2-RELATED. Identifiers: Orphanet 588, Orphanet 899, MedGen C3150411, MONDO:0013154, OMIM 613150.

Allele frequency attached by ClinVar (database versions not stated): ESP Exome Variant Server 0.00008.
gnomAD v4.1: 43 of 1,613,830 alleles (0.0027%); highest among the groups gnomAD compares: African/African-American, 0.004%; no homozygotes.

Submissions (2):

Ambry Genetics
Classification: Uncertain significance for Inborn genetic diseases. Last evaluated: 2023-12-15. Review status: criteria provided, single submitter. Criteria: Ambry Variant Classification Scheme 2023. Collection method: clinical testing. Allele origin: germline.

Labcorp Genetics (formerly Invitae), Labcorp
Classification: Uncertain significance for Muscular dystrophy-dystroglycanopathy (congenital with impaired intellectual development), type B, 2; Muscular dystrophy-dystroglycanopathy (congenital with brain and eye anomalies), type A2; Autosomal recessive limb-girdle muscular dystrophy type 2N. Last evaluated: 2022-07-04. Review status: criteria provided, single submitter. Criteria: Invitae Variant Classification Sherloc (09022015). Collection method: clinical testing. Allele origin: germline.
Comment: This sequence change replaces tyrosine, which is neutral and polar, with cysteine, which is neutral and slightly polar, at codon 574 of the POMT2 protein (p.Tyr574Cys). This variant is present in population databases (rs142870987, gnomAD 0.005%). This variant has not been reported in the literature in individuals affected with POMT2-related conditions. ClinVar contains an entry for this variant (Variation ID: 1510143). Algorithms developed to predict the effect of missense changes on protein structure and function (SIFT, PolyPhen-2, Align-GVGD) all suggest that this variant is likely to be disruptive. In summary, the available evidence is currently insufficient to determine the role of this variant in disease. Therefore, it has been classified as a Variant of Uncertain Significance.

NM_013382.7(POMT2):c.1721A>G (p.Tyr574Cys)

Gene: POMT2 (protein O-mannosyltransferase 2; minus strand). Cytogenetic location: 14q24.3.
Variant type: single nucleotide variant.
Coding change: c.1721A>G on transcript NM_013382.7 (MANE Select); coding-DNA position 1721, A replaced by G.
Protein change: p.Tyr574Cys; replaces tyrosine 574 with cysteine.
Molecular consequence: missense variant.
Genome position (GRCh38, 1-based): chr14:77,280,396, T>C on the plus strand (A>G on the coding strand, the complement: POMT2 is on the minus strand). VCF-style: chr14-77280396-T-C. GRCh37 (hg19) VCF-style: chr14-77746739-T-C.
Other names: c.1721A>G (NM_013382.5); short protein forms Y574C.
Identifiers: ClinVar variation 1510143 (VCV001510143.4), dbSNP rs142870987, ClinGen allele CA7285750.